The following is an entry in ClinVar:

NM_001080467.3(MYO5B):c.3382C>T (p.Leu1128Phe)

Gene: MYO5B (myosin VB; minus strand). Cytogenetic location: 18q21.1.
Variant type: single nucleotide variant.
Coding change: c.3382C>T on transcript NM_001080467.3 (MANE Select); coding-DNA position 3382, C replaced by T.
Protein change: p.Leu1128Phe; replaces leucine 1128 with phenylalanine.
Molecular consequence: missense variant.
Genome position (GRCh38, 1-based): chr18:49,877,777, G>A on the plus strand (C>T on the coding strand, the complement: MYO5B is on the minus strand). VCF-style: chr18-49877777-G-A. GRCh37 (hg19) VCF-style: chr18-47404147-G-A.
Other names: short protein forms L1128F.
Identifiers: ClinVar variation 1951371 (VCV001951371.5), dbSNP rs765054056, ClinGen allele CA8960744.

ClinVar aggregate classification (germline): Uncertain significance (1 of 4 stars; one submission).

Allele frequency attached by ClinVar (database versions not stated): gnomAD exomes 0.00001; ExAC 0.00002.
gnomAD v4.1: 18 of 1,614,124 alleles (0.0011%); highest among the groups gnomAD compares: South Asian, 0.018%; 1 homozygote.

Submission:

Labcorp Genetics (formerly Invitae), Labcorp
Classification: Uncertain significance. Last evaluated: 2022-02-11. Review status: criteria provided, single submitter. Criteria: Invitae Variant Classification Sherloc (09022015). Collection method: clinical testing. Allele origin: germline.
Comment: Algorithms developed to predict the effect of missense changes on protein structure and function are either unavailable or do not agree on the potential impact of this missense change (SIFT: "Deleterious"; PolyPhen-2: "Benign"; Align-GVGD: "Class C0"). In summary, the available evidence is currently insufficient to determine the role of this variant in disease. Therefore, it has been classified as a Variant of Uncertain Significance. This variant has not been reported in the literature in individuals affected with MYO5B-related conditions. This variant is present in population databases (rs765054056, gnomAD 0.02%). This sequence change replaces leucine, which is neutral and non-polar, with phenylalanine, which is neutral and non-polar, at codon 1128 of the MYO5B protein (p.Leu1128Phe).